The following is an entry in ClinVar:

ClinVar aggregate classification (germline): Uncertain significance (1 of 4 stars; one submission).

Conditions:
Aicardi-Goutieres syndrome 7 (AGS7). Identifiers: Orphanet 51, MedGen C3888244, MONDO:0014367, OMIM 615846.
Singleton-Merten syndrome 1 (SGMRT1). Also called: Widened medullary cavities of bone, aortic calcification, abnormal dentition, and muscular weakness; Syndrome of widened medullary cavities of the metacarpals and phalanges, aortic calcification and abnormal dentition. Identifiers: Orphanet 85191, MedGen C4225427, MONDO:0024535, OMIM 182250.

gnomAD v4.1: 6 of 1,607,040 alleles (0.00037%); highest among the groups gnomAD compares: Non-Finnish European, 0.00051%; no homozygotes.

Submission:

Labcorp Genetics (formerly Invitae), Labcorp
Classification: Uncertain significance for Aicardi-Goutieres syndrome 7; Singleton-Merten syndrome 1. Last evaluated: 2025-05-04. Review status: criteria provided, single submitter. Criteria: Invitae Variant Classification Sherloc (09022015). Collection method: clinical testing. Allele origin: germline.
Comment: This sequence change replaces histidine, which is basic and polar, with tyrosine, which is neutral and polar, at codon 928 of the IFIH1 protein (p.His928Tyr). This variant is present in population databases (no rsID available, gnomAD 0.0009%). This variant has not been reported in the literature in individuals affected with IFIH1-related conditions. Invitae Evidence Modeling of protein sequence and biophysical properties (such as structural, functional, and spatial information, amino acid conservation, physicochemical variation, residue mobility, and thermodynamic stability) has been performed for this missense variant. However, the output from this modeling did not meet the statistical confidence thresholds required to predict the impact of this variant on IFIH1 protein function. In summary, the available evidence is currently insufficient to determine the role of this variant in disease. Therefore, it has been classified as a Variant of Uncertain Significance.

NM_022168.4(IFIH1):c.2782C>T (p.His928Tyr)

Gene: IFIH1 (interferon induced with helicase C domain 1; minus strand). Cytogenetic location: 2q24.2.
Variant type: single nucleotide variant.
Coding change: c.2782C>T on transcript NM_022168.4 (MANE Select); coding-DNA position 2782, C replaced by T.
Protein change: p.His928Tyr; replaces histidine 928 with tyrosine.
Molecular consequence: missense variant.
Genome position (GRCh38, 1-based): chr2:162,268,112, G>A on the plus strand (C>T on the coding strand, the complement: IFIH1 is on the minus strand). VCF-style: chr2-162268112-G-A. GRCh37 (hg19) VCF-style: chr2-163124622-G-A.
Other names: short protein forms H928Y.
Identifiers: ClinVar variation 4783045 (VCV004783045.1).